The following is an entry in ClinVar:

NM_016333.4(SRRM2):c.2410C>A (p.Pro804Thr)

Gene: SRRM2 (serine/arginine repetitive matrix 2; plus strand). Cytogenetic location: 16p13.3.
Variant type: single nucleotide variant.
Coding change: c.2410C>A on transcript NM_016333.4 (MANE Select); coding-DNA position 2410, C replaced by A.
Protein change: p.Pro804Thr; replaces proline 804 with threonine.
Molecular consequence: missense variant.
Genome position (GRCh38, 1-based): chr16:2,762,938, C>A. VCF-style: chr16-2762938-C-A. GRCh37 (hg19) VCF-style: chr16-2812939-C-A.
Other names: short protein forms P804T.
Identifiers: ClinVar variation 1302786 (VCV001302786.3), dbSNP rs2240140, ClinGen allele CA7847595.

ClinVar aggregate classification (germline): Benign. Review status: criteria provided, multiple submitters, no conflicts (2 of 4 stars). 2 submissions from 2 submitters: Benign (2). Last evaluated 2021-07-30.

Allele frequency attached by ClinVar (database versions not stated): 1000 Genomes Project 30x 0.41099; 1000 Genomes Project 0.41434; ESP Exome Variant Server 0.44852; gnomAD 0.45100 and 0.45788; TOPMed 0.45329; ExAC 0.54809; gnomAD exomes 0.56260.
gnomAD v4.1: 933,781 of 1,613,838 alleles (58%); highest among the groups gnomAD compares: Admixed American, 71%; 282,686 homozygotes.

Submissions (2):

GeneDx
Classification: Benign. Last evaluated: 2021-07-30. Review status: criteria provided, single submitter. Criteria: GeneDx Variant Classification Process June 2021. Collection method: clinical testing. Allele origin: germline. Affected: yes.
Comment: This variant is associated with the following publications: (PMID: 27346685)

Breakthrough Genomics
Classification: Benign. Review status: criteria provided, single submitter. Criteria: ACMG Guidelines, 2015. Collection method: not provided. Allele origin: germline. Inheritance: Unknown mechanism. Affected: yes.